The following is an entry in ClinVar:

ClinVar aggregate classification (germline): Conflicting classifications of pathogenicity. Review status: criteria provided, conflicting classifications (1 of 4 stars). 2 submissions from 2 submitters: Likely pathogenic (1); Uncertain significance (1). Last evaluated 2025-04-21.

Conditions:
PKD1-related disorder. Also called: PKD1-related condition.

Submissions (2):

GeneDx
Classification: Uncertain significance. Last evaluated: 2025-04-21. Review status: criteria provided, single submitter. Criteria: GeneDx Variant Classification Process June 2021. Collection method: clinical testing. Allele origin: germline. Affected: yes.
Comment: Reported in a patient with renal cysts in published literature (PMID: 27499327); Not observed at significant frequency in large population cohorts (gnomAD); In silico analysis supports that this missense variant has a deleterious effect on protein structure/function; This variant is associated with the following publications: (PMID: 27499327)

Blueprint Genetics
Classification: Likely pathogenic for PKD1-related disorders. Last evaluated: 2022-04-08. Review status: criteria provided, single submitter. Criteria: ACMG Guidelines, 2015. Collection method: clinical testing. Allele origin: germline. Affected: yes. Observed: 2 variant alleles.

NM_001009944.3(PKD1):c.9416G>A (p.Gly3139Asp)

Gene: PKD1 (polycystin 1, transient receptor potential channel interacting; minus strand). Cytogenetic location: 16p13.3.
Variant type: single nucleotide variant.
Coding change: c.9416G>A on transcript NM_001009944.3 (MANE Select); coding-DNA position 9416, G replaced by A.
Protein change: p.Gly3139Asp; replaces glycine 3139 with aspartic acid.
Molecular consequence: missense variant.
Genome position (GRCh38, 1-based): chr16:2,100,548, C>T on the plus strand (G>A on the coding strand, the complement: PKD1 is on the minus strand). VCF-style: chr16-2100548-C-T. GRCh37 (hg19) VCF-style: chr16-2150549-C-T.
Other names: c.9416G>A, p.Gly3139Asp (NM_000296.4); short protein forms G3139D.
Identifiers: ClinVar variation 4528277 (VCV004528277.2).
Genomic context (GRCh38, chr16:2,100,548, plus strand): 5'-GCTCTGTCGCCGTCCAGGTGCCGGTGGCCGCTCCGGCTGTCCACCCCATACAGCATGATG[C>T]CCACGTGGGCCGTGGTACCTGGGAGGCAAGAGGGAGGGGTGGGAGGCTCGGTCTGCTGCC-3'
Protein context (NP_001009944.3, residues 3129-3149): GRGSGTTAHV[Gly3139Asp]IMLYGVDSRS